The following is an entry in ClinVar:

ClinVar aggregate classification (germline): Uncertain significance (1 of 4 stars; one submission).

Conditions:
Neuromuscular disease caused by qualitative or quantitative defects of dysferlin. Also called: Dysferlinopathy; Qualitative or quantitative defects of dysferlin. Identifiers: Orphanet 207073, MedGen C2931687, MONDO:0016145.

Submission:

Labcorp Genetics (formerly Invitae), Labcorp
Classification: Uncertain significance for Neuromuscular disease caused by qualitative or quantitative defects of dysferlin. Last evaluated: 2021-08-30. Review status: criteria provided, single submitter. Criteria: Invitae Variant Classification Sherloc (09022015). Collection method: clinical testing. Allele origin: germline.
Comment: This sequence change replaces alanine with threonine at codon 596 of the DYSF protein (p.Ala596Thr). The alanine residue is moderately conserved and there is a small physicochemical difference between alanine and threonine. This variant is not present in population databases (ExAC no frequency). This variant has not been reported in the literature in individuals affected with DYSF-related conditions. Advanced modeling of protein sequence and biophysical properties (such as structural, functional, and spatial information, amino acid conservation, physicochemical variation, residue mobility, and thermodynamic stability) performed at Invitae indicates that this missense variant is not expected to disrupt DYSF protein function. In summary, the available evidence is currently insufficient to determine the role of this variant in disease. Therefore, it has been classified as a Variant of Uncertain Significance.

NM_001130987.2(DYSF):c.1840G>A (p.Ala614Thr)

Gene: DYSF (dysferlin; plus strand). Cytogenetic location: 2p13.2.
Variant type: single nucleotide variant.
Coding change: c.1840G>A on transcript NM_001130987.2 (MANE Select); coding-DNA position 1840, G replaced by A.
Protein change: p.Ala614Thr; replaces alanine 614 with threonine.
Molecular consequence: missense variant.
Genome position (GRCh38, 1-based): chr2:71,553,044, G>A. VCF-style: chr2-71553044-G-A. GRCh37 (hg19) VCF-style: chr2-71780174-G-A.
Other names: c.1789G>A, p.Ala597Thr (NM_001130455.2, NM_001130983.2); c.1744G>A, p.Ala582Thr (NM_001130976.2, NM_001130977.2); c.1786G>A, p.Ala596Thr (NM_001130978.2, NM_003494.4); c.1879G>A, p.Ala627Thr (NM_001130979.2); c.1837G>A, p.Ala613Thr (NM_001130980.2, NM_001130981.2); c.1882G>A, p.Ala628Thr (NM_001130982.2); c.1747G>A, p.Ala583Thr (NM_001130984.2, NM_001130986.2); c.1840G>A, p.Ala614Thr (NM_001130985.2); short protein forms A582T, A583T, A596T, A597T, A613T, A614T, A627T, A628T.
Identifiers: ClinVar variation 1014406 (VCV001014406.6), dbSNP rs998546221, ClinGen allele CA347218392.